The following is an entry in ClinVar:

NM_213595.4(ISCU):c.22C>T (p.Arg8Cys)

Gene: ISCU (iron-sulfur cluster assembly enzyme; plus strand). Cytogenetic location: 12q23.3.
Variant type: single nucleotide variant.
Coding change: c.22C>T on transcript NM_213595.4 (MANE Select); coding-DNA position 22, C replaced by T.
Protein change: p.Arg8Cys; replaces arginine 8 with cysteine.
Molecular consequence: missense variant. On other transcripts: 5 prime UTR variant (1), non-coding transcript variant (1).
Genome position (GRCh38, 1-based): chr12:108,562,644, C>T. VCF-style: chr12-108562644-C-T. GRCh37 (hg19) VCF-style: chr12-108956420-C-T.
Other names: c.22C>T, p.Arg8Cys (NM_001301140.1, NM_001301141.1, NM_001320042.1); c.-150C>T (NM_014301.4); c.22C>T (NM_213595.2); short protein forms R8C.
Identifiers: ClinVar variation 1507275 (VCV001507275.7), dbSNP rs11548233, ClinGen allele CA6768686.

ClinVar aggregate classification (germline): Uncertain significance. Review status: criteria provided, multiple submitters, no conflicts (2 of 4 stars). 2 submissions from 2 submitters: Uncertain significance (2). Last evaluated 2024-01-17.

Conditions:
Inborn genetic diseases. Identifiers: MedGen C0950123, MeSH D030342.

Allele frequency attached by ClinVar (database versions not stated): gnomAD 0.00001.

Submissions (2):

Ambry Genetics
Classification: Uncertain significance for Inborn genetic diseases. Last evaluated: 2024-01-17. Review status: criteria provided, single submitter. Criteria: Ambry Variant Classification Scheme 2023. Collection method: clinical testing. Allele origin: germline.

Labcorp Genetics (formerly Invitae), Labcorp
Classification: Uncertain significance. Last evaluated: 2021-10-27. Review status: criteria provided, single submitter. Criteria: Invitae Variant Classification Sherloc (09022015). Collection method: clinical testing. Allele origin: germline.
Comment: This variant has not been reported in the literature in individuals affected with ISCU-related conditions. This sequence change replaces arginine, a(n) basic and polar amino acid, with cysteine, a(n) neutral and slightly polar amino acid, at codon 8 of the ISCU protein (p.Arg8Cys). This variant is not present in population databases (gnomAD no frequency). Algorithms developed to predict the effect of missense changes on protein structure and function are either unavailable or do not agree on the potential impact of this missense change (SIFT: "Tolerated"; PolyPhen-2: "Not Available"; Align-GVGD: "Class C0"). In summary, the available evidence is currently insufficient to determine the role of this variant in disease. Therefore, it has been classified as a Variant of Uncertain Significance.